The following is an entry in ClinVar:

ClinVar aggregate classification (germline): Uncertain significance. Review status: criteria provided, multiple submitters, no conflicts (2 of 4 stars). 2 submissions from 2 submitters: Uncertain significance (2). Last evaluated 2022-05-27.

Allele frequency attached by ClinVar (database versions not stated): gnomAD exomes 0.00001.
gnomAD v4.1: 16 of 1,610,860 alleles (0.00099%); highest among the groups gnomAD compares: Non-Finnish European, 0.0014%; no homozygotes.

Submissions (2):

GeneDx
Classification: Uncertain significance. Last evaluated: 2022-05-27. Review status: criteria provided, single submitter. Criteria: GeneDx Variant Classification Process June 2021. Collection method: clinical testing. Allele origin: germline. Affected: yes.
Comment: Not observed at significant frequency in large population cohorts (gnomAD); In silico analysis supports that this missense variant has a deleterious effect on protein structure/function; Has not been previously published as pathogenic or benign to our knowledge

Blueprint Genetics
Classification: Uncertain significance. Last evaluated: 2020-03-12. Review status: criteria provided, single submitter. Criteria: ACMG Guidelines, 2015. Collection method: clinical testing. Allele origin: germline.

NM_001394062.1(MACF1):c.17993A>G (p.His5998Arg)

Gene: MACF1 (microtubule actin crosslinking factor 1; plus strand). Cytogenetic location: 1p34.3.
Variant type: single nucleotide variant.
Coding change: c.17993A>G on transcript NM_001394062.1 (MANE Select); coding-DNA position 17993, A replaced by G.
Protein change: p.His5998Arg; replaces histidine 5998 with arginine.
Molecular consequence: missense variant.
Genome position (GRCh38, 1-based): chr1:39,437,781, A>G. VCF-style: chr1-39437781-A-G. GRCh37 (hg19) VCF-style: chr1-39903453-A-G.
Other names: c.6071A>G, p.His2024Arg (NM_001397473.1); c.11816A>G, p.His3939Arg (NM_012090.5); short protein forms H2024R, H3939R, H5998R.
Identifiers: ClinVar variation 1800850 (VCV001800850.2), dbSNP rs2523130553, ClinGen allele CA339807226.
Genomic context (GRCh38, chr1:39,437,781, plus strand): 5'-TCTCCAAGAAGAGTGATGAGGTATGCTGTGATGGTAATGTTCCAACATTTGTTTAGTTTC[A>G]TGATAAAATTGAGCCTATGTTGGAGACACTGGAGAATCTTTCCTCTCGCCTGCGTATGCC-3'
Protein context (NP_001380991.1, residues 5988-6008): DEAVSQSTQF[His5998Arg]DKIEPMLETL